The following is an entry in ClinVar:

ClinVar aggregate classification (germline): Uncertain significance (1 of 4 stars; one submission).

Conditions:
Tuberous sclerosis 1 (TSC1). Identifiers: Orphanet 805, MedGen C1854465, MONDO:0008612, OMIM 191100.

Submission:

Labcorp Genetics (formerly Invitae), Labcorp
Classification: Uncertain significance for Tuberous sclerosis 1. Last evaluated: 2023-07-07. Review status: criteria provided, single submitter. Criteria: Invitae Variant Classification Sherloc (09022015). Collection method: clinical testing. Allele origin: germline.
Comment: This variant has not been reported in the literature in individuals affected with TSC1-related conditions. This variant is not present in population databases (gnomAD no frequency). This sequence change replaces isoleucine, which is neutral and non-polar, with asparagine, which is neutral and polar, at codon 962 of the TSC1 protein (p.Ile962Asn). ClinVar contains an entry for this variant (Variation ID: 949653). In summary, the available evidence is currently insufficient to determine the role of this variant in disease. Therefore, it has been classified as a Variant of Uncertain Significance. Advanced modeling of protein sequence and biophysical properties (such as structural, functional, and spatial information, amino acid conservation, physicochemical variation, residue mobility, and thermodynamic stability) performed at Invitae indicates that this missense variant is not expected to disrupt TSC1 protein function.

NM_000368.5(TSC1):c.2885T>A (p.Ile962Asn)

Gene: TSC1 (TSC complex subunit 1; minus strand). Cytogenetic location: 9q34.13.
Variant type: single nucleotide variant.
Coding change: c.2885T>A on transcript NM_000368.5 (MANE Select); coding-DNA position 2885, T replaced by A.
Protein change: p.Ile962Asn; replaces isoleucine 962 with asparagine.
Molecular consequence: missense variant.
Genome position (GRCh38, 1-based): chr9:132,897,274, A>T on the plus strand (T>A on the coding strand, the complement: TSC1 is on the minus strand). VCF-style: chr9-132897274-A-T. GRCh37 (hg19) VCF-style: chr9-135772661-A-T.
Other names: c.2882T>A, p.Ile961Asn (NM_001162426.2); c.2732T>A, p.Ile911Asn (NM_001162427.2); c.2522T>A, p.Ile841Asn (NM_001362177.2); short protein forms I962N, I911N, I961N, I841N.
Identifiers: ClinVar variation 949653 (VCV000949653.9), dbSNP rs1438535722, ClinGen allele CA375368789.